The following is an entry in ClinVar:

ClinVar aggregate classification (germline): Likely benign. Review status: criteria provided, multiple submitters, no conflicts (2 of 4 stars). 3 submissions from 3 submitters: Likely benign (3). Last evaluated 2025-10-02.

Allele frequency attached by ClinVar (database versions not stated): ExAC 0.00007; gnomAD 0.00007; gnomAD exomes 0.00009 and 0.00018; TOPMed 0.00010.
gnomAD v4.1: 266 of 1,612,826 alleles (0.016%); highest among the groups gnomAD compares: Middle Eastern, 0.15%; no homozygotes.

Submissions (3):

Labcorp Genetics (formerly Invitae), Labcorp
Classification: Likely benign. Last evaluated: 2025-10-02. Review status: criteria provided, single submitter. Criteria: Invitae Variant Classification Sherloc (09022015). Collection method: clinical testing. Allele origin: germline.

Blueprint Genetics
Classification: Likely benign. Last evaluated: 2024-06-27. Review status: criteria provided, single submitter. Criteria: ACMG Guidelines, 2015. Collection method: clinical testing. Allele origin: germline.

CeGaT Center for Human Genetics Tuebingen
Classification: Likely benign. Last evaluated: 2023-02-01. Review status: criteria provided, single submitter. Criteria: CeGaT Center For Human Genetics Tuebingen Variant Classification Criteria Version 2. Collection method: clinical testing. Allele origin: germline. Affected: yes. Observed: 4 variant alleles.
Comment: PTPN23: BP4, BP7

NM_015466.4(PTPN23):c.531C>T (p.Asn177=)

Gene: PTPN23 (protein tyrosine phosphatase non-receptor type 23; plus strand). Cytogenetic location: 3p21.31.
Variant type: single nucleotide variant.
Coding change: c.531C>T on transcript NM_015466.4 (MANE Select); coding-DNA position 531, C replaced by T.
Protein change: p.Asn177=; no amino-acid change (asparagine 177 retained).
Molecular consequence: synonymous variant.
Genome position (GRCh38, 1-based): chr3:47,406,031, C>T. VCF-style: chr3-47406031-C-T. GRCh37 (hg19) VCF-style: chr3-47447521-C-T.
Other names: c.153C>T, p.Asn51= (NM_001304482.2).
Identifiers: ClinVar variation 1576494 (VCV001576494.40), dbSNP rs199645947, ClinGen allele CA2365356.